The following is an entry in ClinVar:

NM_001754.5(RUNX1):c.499A>G (p.Ser167Gly)

Genes: RUNX1 (RUNX family transcription factor 1; minus strand), RUNX1-AS1 (RUNX1 antisense RNA 1; plus strand). Cytogenetic location: 21q22.12.
Variant type: single nucleotide variant.
Coding change: c.499A>G on transcript NM_001754.5 (MANE Select); coding-DNA position 499, A replaced by G.
Protein change: p.Ser167Gly; replaces serine 167 with glycine.
Molecular consequence: missense variant.
Genome position (GRCh38, 1-based): chr21:34,880,566, T>C on the plus strand (A>G on the coding strand, the complement: RUNX1 is on the minus strand). VCF-style: chr21-34880566-T-C. GRCh37 (hg19) VCF-style: chr21-36252863-T-C.
Other names: NM_001754.5(RUNX1):c.499A>G; p.Ser167Gly; c.418A>G, p.Ser140Gly (NM_001001890.3, NM_001122607.2); short protein forms S140G, S167G.
Identifiers: ClinVar variation 2443682 (VCV002443682.4), dbSNP rs2146360427, ClinGen allele CA410202486.

ClinVar aggregate classification (germline): Likely pathogenic. Review status: reviewed by expert panel (3 of 4 stars). 2 submissions from 2 submitters: Likely pathogenic (1). 1 of the submissions does not count toward it. Last evaluated 2026-04-29.

Conditions:
Hereditary thrombocytopenia and hematologic cancer predisposition syndrome. Identifiers: Orphanet 71290, MedGen CN281654, MONDO:0011071.

Submissions (2):

ClinGen Myeloid Malignancy Variant Curation Expert Panel
Classification: Likely pathogenic for Hereditary thrombocytopenia and hematologic cancer predisposition syndrome. Last evaluated: 2026-04-29. Review status: reviewed by expert panel. Criteria: ClinGen MyeloMalig ACMG Specifications V3.1. Collection method: curation. Allele origin: germline. Inheritance: Autosomal dominant inheritance.
Comment: NM_001754.5(RUNX1):c.499A>G (p.Ser167Gly) is a missense variant which affects one of the hotspot residues (S167) in the RHD (PM1_strong). This variant has a REVEL score ≥ 0.88 (0.908) (PP3) and is completely absent from all population databases with at least 20x coverage for RUNX1 (PM2_supporting). In summary, this variant meets criteria to be classified as likely pathogenic. ACMG/AMP criteria applied, as specified by the Myeloid Malignancy Variant Curation Expert Panel for RUNX1: PM1_strong, PP3, PM2_supporting.

GeneDx
Classification: Uncertain significance. Last evaluated: 2022-09-13. Review status: criteria provided, single submitter. Criteria: GeneDx Variant Classification Process June 2021. Collection method: clinical testing. Allele origin: germline. Affected: yes. Not counted in ClinVar's aggregate classification.
Comment: Not observed at significant frequency in large population cohorts (gnomAD); In silico analysis supports that this missense variant has a deleterious effect on protein structure/function; Has not been previously published as pathogenic or benign to our knowledge